The following is an entry in ClinVar:

ClinVar aggregate classification (germline): Conflicting classifications of pathogenicity. Review status: criteria provided, conflicting classifications (1 of 4 stars). 9 submissions from 8 submitters: Uncertain significance (3); Benign (2); Likely benign (4). Last evaluated 2025-12-30.

Conditions:
Osteogenesis imperfecta (OI). Identifiers: Orphanet 666, MedGen C0029434, MeSH D010013, MONDO:0019019.
Osteogenesis imperfecta type I (OI1). Also called: Lobstein's Disease; Lobstein disease; OI, TYPE I; OSTEOGENESIS IMPERFECTA TARDA; OSTEOGENESIS IMPERFECTA WITH BLUE SCLERAE; Osteogenesis imperfecta type 1. Identifiers: Orphanet 216796, Orphanet 666, MedGen C0023931, MONDO:0008146, OMIM 166200. Disease mechanism: loss of function.
Cardiovascular phenotype. Identifiers: MedGen CN230736.
Ehlers-Danlos syndrome (EDS). Identifiers: Orphanet 98249, MedGen C0013720, MONDO:0020066.

Allele frequency attached by ClinVar (database versions not stated): TOPMed 0.00007; gnomAD 0.00011; ESP Exome Variant Server 0.00015.
gnomAD v4.1: 188 of 1,614,008 alleles (0.012%); highest among the groups gnomAD compares: Non-Finnish European, 0.015%; no homozygotes.

Submissions (9):

Labcorp Genetics (formerly Invitae), Labcorp
Classification: Likely benign for Osteogenesis imperfecta type I. Last evaluated: 2025-12-30. Review status: criteria provided, single submitter. Criteria: Invitae Variant Classification Sherloc (09022015). Collection method: clinical testing. Allele origin: germline.

Mayo Clinic Laboratories, Mayo Clinic
Classification: Likely benign. Last evaluated: 2025-08-22. Review status: criteria provided, single submitter. Criteria: ACMG Guidelines, 2015. Collection method: clinical testing. Allele origin: germline. Observed: 2 variant alleles.
Comment: BS1, BP4_moderate

GeneDx
Classification: Uncertain significance. Last evaluated: 2025-07-22. Review status: criteria provided, single submitter. Criteria: GeneDx Variant Classification Process June 2021. Collection method: clinical testing. Allele origin: germline. Affected: yes.
Comment: In silico analysis suggests that this missense variant does not alter protein structure/function; Not located in the triple helical region, where the majority of pathogenic missense variants occur (HGMD); This variant is associated with the following publications: (PMID: 35830949)

Ambry Genetics
Classification: Likely benign for Cardiovascular phenotype. Last evaluated: 2025-01-04. Review status: criteria provided, single submitter. Criteria: Ambry Variant Classification Scheme 2023. Collection method: clinical testing. Allele origin: germline.

Blueprint Genetics
Classification: Likely benign. Last evaluated: 2023-11-24. Review status: criteria provided, single submitter. Criteria: ACMG Guidelines, 2015. Collection method: clinical testing. Allele origin: germline.

ARUP Laboratories, Molecular Genetics and Genomics, ARUP Laboratories
Classification: Uncertain significance. Last evaluated: 2023-10-10. Review status: criteria provided, single submitter. Criteria: ARUP Molecular Germline Variant Investigation Process 2024. Collection method: clinical testing. Allele origin: germline.
Comment: The COL1A1 c.144T>A; p.His48Gln variant (rs374065372) is reported in the literature in an individual affected with thoracic aortic aneurysm (Salmasi 2022). This variant is reported in ClinVar (Variation ID: 662041) and is found in the non-Finnish European population with an allele frequency of 0.02% (24/129,100 alleles) in the Genome Aggregation Database. Computational analyses predict that this variant is neutral (REVEL: 0.123). Due to limited information, the clinical significance of this variant is uncertain at this time. References: Salmasi MY et al. Determining the genetic contribution in patients with non-syndromic ascending thoracic aortic aneurysms: Correlation with findings from computational pathology. Int J Cardiol. 2022 Nov 1;366:1-9. PMID: 35830949.

Genome Diagnostics Laboratory, The Hospital for Sick Children
Classification: Benign for Osteogenesis imperfecta. Last evaluated: 2022-04-22. Review status: criteria provided, single submitter. Criteria: ACMG Guidelines, 2015. Collection method: clinical testing. Allele origin: germline.

Genome Diagnostics Laboratory, The Hospital for Sick Children
Classification: Benign for Ehlers-Danlos syndrome. Last evaluated: 2022-04-22. Review status: criteria provided, single submitter. Criteria: ACMG Guidelines, 2015. Collection method: clinical testing. Allele origin: germline.

CeGaT Center for Human Genetics Tuebingen
Classification: Uncertain significance. Last evaluated: 2021-06-01. Review status: criteria provided, single submitter. Criteria: CeGaT Center For Human Genetics Tuebingen Variant Classification Criteria Version 2. Collection method: clinical testing. Allele origin: germline. Affected: yes. Observed: 1 variant allele.

Literature cited by the submitters: PubMed 35830949 (cited by Ambry Genetics).

NM_000088.4(COL1A1):c.144T>A (p.His48Gln)

Gene: COL1A1 (collagen type I alpha 1 chain; minus strand). Cytogenetic location: 17q21.33.
Variant type: single nucleotide variant.
Coding change: c.144T>A on transcript NM_000088.4 (MANE Select); coding-DNA position 144, T replaced by A.
Protein change: p.His48Gln; replaces histidine 48 with glutamine.
Molecular consequence: missense variant.
Genome position (GRCh38, 1-based): chr17:50,199,907, A>T on the plus strand (T>A on the coding strand, the complement: COL1A1 is on the minus strand). VCF-style: chr17-50199907-A-T. GRCh37 (hg19) VCF-style: chr17-48277268-A-T.
Other names: p.His48Gln; short protein forms H48Q.
Identifiers: ClinVar variation 662041 (VCV000662041.61), dbSNP rs374065372, ClinGen allele CA8645823.
Genomic context (GRCh38, chr17:50,199,907, plus strand): 5'-CACCTTGCCGTTGTCGCAGACGCAGATCCGGCAGGGCTCGGGTTTCCACACGTCTCGGTC[A>T]TGGTACCTGAGGCCGTTCTGTACGCAGGTGATTGGTGGGACTGGGACAGGCGGAAGAGGG-3'
Protein context (NP_000079.2, residues 38-58): ITCVQNGLRY[His48Gln]DRDVWKPEPC